The following is an entry in ClinVar:

NM_012260.4(HACL1):c.994-3A>C

Gene: HACL1 (2-hydroxyacyl-CoA lyase 1; minus strand). Cytogenetic location: 3p25.1.
Variant type: single nucleotide variant.
Coding change: c.994-3A>C on transcript NM_012260.4 (MANE Select); 3 bases into the intron before coding-DNA position 994, A replaced by C.
Molecular consequence: intron variant.
Genome position (GRCh38, 1-based): chr3:15,571,772, T>G on the plus strand (A>C on the coding strand, the complement: HACL1 is on the minus strand). VCF-style: chr3-15571772-T-G. GRCh37 (hg19) VCF-style: chr3-15613279-T-G.
Other names: c.913-3A>C (NM_001284413.2); c.748-3A>C (NM_001284416.2); c.915+1387A>C (NM_001284415.2).
Identifiers: ClinVar variation 3351804 (VCV003351804.1).

ClinVar aggregate classification (germline): Benign (0 of 4 stars; one submission).

Conditions:
HACL1-related disorder. Also called: HACL1-related condition.

gnomAD v4.1: 82,121 of 827,938 alleles (9.9%); highest among the groups gnomAD compares: East Asian, 32%; 2,999 homozygotes.

Submission:

PreventionGenetics, part of Exact Sciences
Classification: Benign for HACL1-related condition. Last evaluated: 2024-05-15. Review status: no assertion criteria provided. Collection method: clinical testing. Allele origin: germline.
Comment: This variant is classified as benign based on ACMG/AMP sequence variant interpretation guidelines (Richards et al. 2015 PMID: 25741868, with internal and published modifications).